The following is an entry in ClinVar:

NM_000384.3(APOB):c.3122-6G>T

Gene: APOB (apolipoprotein B; minus strand). Cytogenetic location: 2p24.1.
Variant type: single nucleotide variant.
Coding change: c.3122-6G>T on transcript NM_000384.3 (MANE Select); 6 bases into the intron before coding-DNA position 3122, G replaced by T.
Molecular consequence: intron variant.
Genome position (GRCh38, 1-based): chr2:21,016,655, C>A on the plus strand (G>T on the coding strand, the complement: APOB is on the minus strand). VCF-style: chr2-21016655-C-A. GRCh37 (hg19) VCF-style: chr2-21239527-C-A.
Identifiers: ClinVar variation 544106 (VCV000544106.14), dbSNP rs72653071, ClinGen allele CA058076.

ClinVar aggregate classification (germline): Conflicting classifications of pathogenicity. Review status: criteria provided, conflicting classifications (1 of 4 stars). 3 submissions from 3 submitters: Uncertain significance (1); Likely benign (1). 1 of the submissions does not count toward it. Last evaluated 2026-04-10.

Conditions:
APOB-related disorder. Also called: APOB-related condition; APOB-related disorders.
Familial hypobetalipoproteinemia 1. Also called: Hypobetalipoproteinemia, normotriglyceridemic; Acanthocytosis with hypobetalipoproteinemia; APOB-Related Familial Hypobetalipoproteinemia. Identifiers: MedGen C4551990, MONDO:0014252, OMIM 615558.
Hypercholesterolemia, autosomal dominant, type B (FHCL2). Also called: Familial hypercholesterolemia 2; APOB-Related Familial Hypercholesterolemia, Autosomal Dominant; HYPERCHOLESTEROLEMIA, FAMILIAL, DUE TO LIGAND-DEFECTIVE APOLIPOPROTEIN B; Hyperlipoproteinemia Type IIb; Familial Hypercholesterolemia Type B; APOLIPOPROTEIN B-100, FAMILIAL DEFECTIVE. Identifiers: MedGen C1704417, MONDO:0007751, OMIM 144010.
Familial hypercholesterolemia. Also called: Familial hypercholesterolemias; Familial hypercholesterolaemia. Identifiers: MedGen C0020445, MONDO:0005439.

Allele frequency attached by ClinVar (database versions not stated): TOPMed 0.00014; 1000 Genomes Project 30x 0.00016.
gnomAD v4.1: 44 of 1,573,394 alleles (0.0028%); highest among the groups gnomAD compares: African/African-American, 0.058%; no homozygotes.

Submissions (3):

Cambridge Genomics Laboratory, East Genomic Laboratory Hub, NHS Genomic Medicine Service
Classification: Uncertain significance for Familial hypercholesterolaemia. Last evaluated: 2026-04-10. Review status: criteria provided, single submitter. Criteria: ACGS Best Practice Guidelines for Variant Classification in Rare Disease 2020. Collection method: clinical testing. Allele origin: germline. Affected: yes.

Labcorp Genetics (formerly Invitae), Labcorp
Classification: Likely benign for Familial hypobetalipoproteinemia 1; Hypercholesterolemia, autosomal dominant, type B. Last evaluated: 2025-06-18. Review status: criteria provided, single submitter. Criteria: Invitae Variant Classification Sherloc (09022015). Collection method: clinical testing. Allele origin: germline.

PreventionGenetics, part of Exact Sciences
Classification: Likely benign for APOB-related condition. Last evaluated: 2021-11-18. Review status: no assertion criteria provided. Collection method: clinical testing. Allele origin: germline. Not counted in ClinVar's aggregate classification.
Comment: This variant is classified as likely benign based on ACMG/AMP sequence variant interpretation guidelines (Richards et al. 2015 PMID: 25741868, with internal and published modifications).